The following is an entry in ClinVar:

ClinVar aggregate classification (germline): Uncertain significance (1 of 4 stars; one submission).

Conditions:
Inborn genetic diseases. Identifiers: MedGen C0950123, MeSH D030342.

Submission:

Ambry Genetics
Classification: Uncertain significance for Inborn genetic diseases. Last evaluated: 2021-07-26. Review status: criteria provided, single submitter. Criteria: Ambry Variant Classification Scheme 2023. Collection method: clinical testing. Allele origin: germline.
Comment: The p.V476F variant (also known as c.1426G>T), located in coding exon 15 of the ERCC2 gene, results from a G to T substitution at nucleotide position 1426. The valine at codon 476 is replaced by phenylalanine, an amino acid with highly similar properties. This amino acid position is conserved. In addition, this alteration is predicted to be deleterious by in silico analysis. Since supporting evidence is limited at this time, the clinical significance of this alteration remains unclear.

NM_000400.4(ERCC2):c.1426G>T (p.Val476Phe)

Gene: ERCC2 (ERCC excision repair 2, TFIIH core complex helicase subunit; minus strand). Cytogenetic location: 19q13.32.
Variant type: single nucleotide variant.
Coding change: c.1426G>T on transcript NM_000400.4 (MANE Select); coding-DNA position 1426, G replaced by T.
Protein change: p.Val476Phe; replaces valine 476 with phenylalanine.
Molecular consequence: missense variant.
Genome position (GRCh38, 1-based): chr19:45,357,323, C>A on the plus strand (G>T on the coding strand, the complement: ERCC2 is on the minus strand). VCF-style: chr19-45357323-C-A. GRCh37 (hg19) VCF-style: chr19-45860581-C-A.
Other names: short protein forms V476F.
Identifiers: ClinVar variation 1772384 (VCV001772384.2), dbSNP rs531021258, ClinGen allele CA406367115.